The following is an entry in ClinVar:

NM_014606.3(HERC3):c.459G>A (p.Ala153=)

Gene: HERC3 (HECT and RLD domain containing E3 ubiquitin protein ligase 3; plus strand). Cytogenetic location: 4q22.1.
Variant type: single nucleotide variant.
Coding change: c.459G>A on transcript NM_014606.3 (MANE Select); coding-DNA position 459, G replaced by A.
Protein change: p.Ala153=; no amino-acid change (alanine 153 retained).
Molecular consequence: synonymous variant.
Genome position (GRCh38, 1-based): chr4:88,652,084, G>A. VCF-style: chr4-88652084-G-A. GRCh37 (hg19) VCF-style: chr4-89573235-G-A.
Other names: c.459G>A, p.Ala153= (NM_001375479.1, NM_001375480.1, NM_001375482.1 and 3 more transcripts); c.105G>A, p.Ala35= (NM_001375481.1, NM_001271602.2, NM_001375477.1).
Identifiers: ClinVar variation 2654943 (VCV002654943.24), dbSNP rs143699412, ClinGen allele CA3007274.

ClinVar aggregate classification (germline): Likely benign (1 of 4 stars; one submission).

Allele frequency attached by ClinVar (database versions not stated): 1000 Genomes Project 30x 0.00016; 1000 Genomes Project 0.00020; ESP Exome Variant Server 0.00092; TOPMed 0.00104; gnomAD 0.00111; ExAC 0.00148.
gnomAD v4.1: 2,491 of 1,605,826 alleles (0.16%); highest among the groups gnomAD compares: Non-Finnish European, 0.2%; 5 homozygotes.

Submission:

CeGaT Center for Human Genetics Tuebingen
Classification: Likely benign. Last evaluated: 2023-03-01. Review status: criteria provided, single submitter. Criteria: CeGaT Center For Human Genetics Tuebingen Variant Classification Criteria Version 2. Collection method: clinical testing. Allele origin: germline. Affected: yes. Observed: 1 variant allele.
Comment: HERC3: BP4, BP7